The following is an entry in ClinVar:

ClinVar aggregate classification (germline): Pathogenic (1 of 4 stars; one submission).

Conditions:
Autosomal recessive limb-girdle muscular dystrophy type 2A (LGMDR1). Also called: Calpainopathy; Muscular dystrophy, limb-girdle, type 2A, Amish; LEYDEN-MOEBIUS MUSCULAR DYSTROPHY; MUSCULAR DYSTROPHY, PELVOFEMORAL; Limb-girdle muscular dystrophy, type 2A. Identifiers: Orphanet 267, MedGen C1869123, MONDO:0009675, OMIM 253600. Disease mechanism: loss of function.

Submission:

Women's Health and Genetics/Laboratory Corporation of America, LabCorp
Classification: Pathogenic for Autosomal recessive limb-girdle muscular dystrophy type 2A. Last evaluated: 2026-03-18. Review status: criteria provided, single submitter. Criteria: LabCorp Variant Classification Summary - May 2015. Collection method: clinical testing. Allele origin: germline.
Comment: Variant summary: CAPN3 c.600_614del15 (p.Phe200_Leu204del) results in an in-frame deletion that is predicted to remove five amino acids from the encoded protein. The variant was absent in 251466 control chromosomes (gnomAD). Another different variant with the same amino acid effect (c.598_612del15, p.Phe200_Leu204del) has been observed in multiple individuals affected with Autosomal recessive limb-girdle muscular dystrophy type 2A (Haffner_1998, Piluso_2005, Fanin_2009, Stehlkov_2014). These data indicate that the variant is very likely to be associated with disease. To our knowledge, no experimental evidence demonstrating an impact on protein function has been reported. The following publications have been ascertained in the context of this evaluation (PMID: 9452114, 16141003, 18854869, 25135358). ClinVar contains an entry for p.Phe200_Leu204del (Variation ID: 166786). To our knowledge, this variant has not been reported in individuals with Muscular Dystrophy, Limb-Girdle, Autosomal Dominant 4. Based on the evidence outlined above, the variant was classified as pathogenic for Autosomal recessive limb-girdle muscular dystrophy type 2A.

Literature cited by the submitters: PubMed 18854869; PubMed 16141003; PubMed 25135358; PubMed 9452114.

NM_000070.3(CAPN3):c.600_614del (p.Phe200_Leu204del)

Gene: CAPN3 (calpain 3; plus strand). Cytogenetic location: 15q15.1.
Variant type: Deletion.
Coding change: c.600_614del on transcript NM_000070.3 (MANE Select); coding-DNA positions 600 to 614, 15 bases deleted (CTGGAGTGCTCTGCT).
Protein change: p.Phe200_Leu204del.
Genome position (GRCh38, 1-based): chr15:42,387,854-42,387,868, CTGGAGTGCTCTGCT deleted; deleting any 15 consecutive bases within chr15:42,387,853-42,387,868 gives the same sequence; the c. name uses the placement nearest the transcript's 3' end. VCF-style (leftmost placement, unchanged base first): chr15-42387852-TTCTGGAGTGCTCTGC-T. GRCh37 (hg19) VCF-style: chr15-42680050-TTCTGGAGTGCTCTGC-T.
Other names: c.600_614del15 (NM_000070.3); c.600_614del, p.Phe200_Leu204del (NM_024344.2, NM_173087.2).
Identifiers: ClinVar variation 4847100 (VCV004847100.1).